The following is an entry in ClinVar:

ClinVar aggregate classification (germline): Uncertain significance (1 of 4 stars; one submission).

Allele frequency attached by ClinVar (database versions not stated): gnomAD exomes below 0.00001; ExAC 0.00001.
gnomAD v4.1: 1 of 1,614,158 alleles (0.000062%); highest among the groups gnomAD compares: Admixed American, 0.0017%; no homozygotes.

Submission:

Labcorp Genetics (formerly Invitae), Labcorp
Classification: Uncertain significance. Last evaluated: 2021-02-26. Review status: criteria provided, single submitter. Criteria: Invitae Variant Classification Sherloc (09022015). Collection method: clinical testing. Allele origin: germline.
Comment: This variant is present in population databases (rs745890099, ExAC 0.009%). This sequence change replaces arginine with glutamine at codon 515 of the CAD protein (p.Arg515Gln). The arginine residue is highly conserved and there is a small physicochemical difference between arginine and glutamine. This variant has not been reported in the literature in individuals with CAD-related conditions. Algorithms developed to predict the effect of missense changes on protein structure and function are either unavailable or do not agree on the potential impact of this missense change (SIFT: "Deleterious"; PolyPhen-2: "Probably Damaging"; Align-GVGD: "Class C0"). In summary, the available evidence is currently insufficient to determine the role of this variant in disease. Therefore, it has been classified as a Variant of Uncertain Significance.

NM_004341.5(CAD):c.1544G>A (p.Arg515Gln)

Gene: CAD (carbamoyl-phosphate synthetase 2, aspartate transcarbamylase, and dihydroorotase; plus strand). Cytogenetic location: 2p23.3.
Variant type: single nucleotide variant.
Coding change: c.1544G>A on transcript NM_004341.5 (MANE Select); coding-DNA position 1544, G replaced by A.
Protein change: p.Arg515Gln; replaces arginine 515 with glutamine.
Molecular consequence: missense variant.
Genome position (GRCh38, 1-based): chr2:27,225,167, G>A. VCF-style: chr2-27225167-G-A. GRCh37 (hg19) VCF-style: chr2-27448035-G-A.
Other names: c.1544G>A, p.Arg515Gln (NM_001306079.2); short protein forms R515Q.
Identifiers: ClinVar variation 1518474 (VCV001518474.8), dbSNP rs745890099, ClinGen allele CA1572746.
Genomic context (GRCh38, chr2:27,225,167, plus strand): 5'-CTCGGTATGGGGTCCGGGTCCTGGGCACACCAGTGGAGACCATTGAGCTGACCGAGGATC[G>A]ACGGGCCTTTGCTGCCAGAATGGCAGAGATCGGAGAGCATGTGGCCCCGAGCGAGGCAGC-3'
Protein context (NP_004332.2, residues 505-525): PVETIELTED[Arg515Gln]RAFAARMAEI